The following is an entry in ClinVar:

ClinVar aggregate classification (germline): Uncertain significance. Review status: criteria provided, multiple submitters, no conflicts (2 of 4 stars). 2 submissions from 2 submitters: Uncertain significance (2). Last evaluated 2025-08-01.

Conditions:
Inborn genetic diseases. Identifiers: MedGen C0950123, MeSH D030342.

Allele frequency attached by ClinVar (database versions not stated): gnomAD exomes below 0.00001; TOPMed 0.00003.
gnomAD v4.1: 1 of 1,614,132 alleles (0.000062%); highest among the groups gnomAD compares: East Asian, 0.0022%; no homozygotes.

Submissions (2):

Ambry Genetics
Classification: Uncertain significance for Inborn genetic diseases. Last evaluated: 2025-08-01. Review status: criteria provided, single submitter. Criteria: Ambry Variant Classification Scheme 2023. Collection method: clinical testing. Allele origin: germline.

Labcorp Genetics (formerly Invitae), Labcorp
Classification: Uncertain significance. Last evaluated: 2022-04-24. Review status: criteria provided, single submitter. Criteria: Invitae Variant Classification Sherloc (09022015). Collection method: clinical testing. Allele origin: germline.
Comment: This sequence change replaces tryptophan, which is neutral and slightly polar, with glycine, which is neutral and non-polar, at codon 631 of the COL7A1 protein (p.Trp631Gly). This variant is present in population databases (no rsID available, gnomAD 0.006%). This variant has not been reported in the literature in individuals affected with COL7A1-related conditions. Advanced modeling of protein sequence and biophysical properties (such as structural, functional, and spatial information, amino acid conservation, physicochemical variation, residue mobility, and thermodynamic stability) performed at Invitae indicates that this missense variant is expected to disrupt COL7A1 protein function. In summary, the available evidence is currently insufficient to determine the role of this variant in disease. Therefore, it has been classified as a Variant of Uncertain Significance.

NM_000094.4(COL7A1):c.1891T>G (p.Trp631Gly)

Gene: COL7A1 (collagen type VII alpha 1 chain; minus strand). Cytogenetic location: 3p21.31.
Variant type: single nucleotide variant.
Coding change: c.1891T>G on transcript NM_000094.4 (MANE Select); coding-DNA position 1891, T replaced by G.
Protein change: p.Trp631Gly; replaces tryptophan 631 with glycine.
Molecular consequence: missense variant.
Genome position (GRCh38, 1-based): chr3:48,590,474, A>C on the plus strand (T>G on the coding strand, the complement: COL7A1 is on the minus strand). VCF-style: chr3-48590474-A-C. GRCh37 (hg19) VCF-style: chr3-48627907-A-C.
Other names: c.1891T>G (NM_000094.3); short protein forms W631G.
Identifiers: ClinVar variation 1512539 (VCV001512539.4), dbSNP rs1257001197, ClinGen allele CA352727901.